The following is an entry in ClinVar:

ClinVar aggregate classification (germline): Uncertain significance (1 of 4 stars; one submission).

Conditions:
Inborn genetic diseases. Identifiers: MedGen C0950123, MeSH D030342.

Submission:

Ambry Genetics
Classification: Uncertain significance for Inborn genetic diseases. Last evaluated: 2025-11-16. Review status: criteria provided, single submitter. Criteria: Ambry Variant Classification Scheme 2023. Collection method: clinical testing. Allele origin: germline.
Comment: The p.D800Y variant (also known as c.2398G>T), located in coding exon 1 of the SAMD9 gene, results from a G to T substitution at nucleotide position 2398. The aspartic acid at codon 800 is replaced by tyrosine, an amino acid with highly dissimilar properties. This amino acid position is conserved. In addition, the in silico prediction for this alteration is inconclusive. Based on the available evidence, the clinical significance of this variant remains unclear.

NM_017654.4(SAMD9):c.2398G>T (p.Asp800Tyr)

Gene: SAMD9 (sterile alpha motif domain containing 9; minus strand). Cytogenetic location: 7q21.2.
Variant type: single nucleotide variant.
Coding change: c.2398G>T on transcript NM_017654.4 (MANE Select); coding-DNA position 2398, G replaced by T.
Protein change: p.Asp800Tyr; replaces aspartic acid 800 with tyrosine.
Molecular consequence: missense variant.
Genome position (GRCh38, 1-based): chr7:93,103,700, C>A on the plus strand (G>T on the coding strand, the complement: SAMD9 is on the minus strand). VCF-style: chr7-93103700-C-A. GRCh37 (hg19) VCF-style: chr7-92733013-C-A.
Other names: c.2398G>T, p.Asp800Tyr (NM_001193307.2); short protein forms D800Y.
Identifiers: ClinVar variation 4629947 (VCV004629947.1).